The following is an entry in ClinVar:

NM_004329.3(BMPR1A):c.968G>T (p.Cys323Phe)

Gene: BMPR1A (bone morphogenetic protein receptor type 1A; plus strand). Cytogenetic location: 10q23.2.
Variant type: single nucleotide variant.
Coding change: c.968G>T on transcript NM_004329.3 (MANE Select); coding-DNA position 968, G replaced by T.
Protein change: p.Cys323Phe; replaces cysteine 323 with phenylalanine.
Molecular consequence: missense variant.
Genome position (GRCh38, 1-based): chr10:86,919,271, G>T. VCF-style: chr10-86919271-G-T. GRCh37 (hg19) VCF-style: chr10-88679028-G-T.
Other names: short protein forms C323F.
Identifiers: ClinVar variation 927305 (VCV000927305.5), dbSNP rs187780646, ClinGen allele CA377460312.
Genomic context (GRCh38, chr10:86,919,271, plus strand): 5'-CTCAGCTCTATTTGATTACTGATTACCATGAAAATGGATCTCTCTATGACTTCCTGAAAT[G>T]TGCTACACTGGACACCAGAGCCCTGCTTAAATTGGCTTATTCAGCTGCCTGTGGTCTGTG-3'
Protein context (NP_004320.2, residues 313-333): ENGSLYDFLK[Cys323Phe]ATLDTRALLK

ClinVar aggregate classification (germline): Uncertain significance. Review status: criteria provided, multiple submitters, no conflicts (2 of 4 stars). 2 submissions from 2 submitters: Uncertain significance (2). Last evaluated 2026-08-05.

Conditions:
Hereditary cancer-predisposing syndrome. Also called: Neoplastic Syndromes, Hereditary; Hereditary Cancer Syndrome; Tumor predisposition; Hereditary neoplastic syndrome. Identifiers: Orphanet 140162, MedGen C0027672, MeSH D009386, MONDO:0015356.

Submissions (2):

Ambry Genetics
Classification: Uncertain significance for Hereditary cancer-predisposing syndrome. Last evaluated: 2026-08-05. Review status: criteria provided, single submitter. Criteria: Ambry Variant Classification Scheme 2023. Collection method: clinical testing. Allele origin: germline.
Comment: The p.C323F variant (also known as c.968G>T), located in coding exon 8 of the BMPR1A gene, results from a G to T substitution at nucleotide position 968. The cysteine at codon 323 is replaced by phenylalanine, an amino acid with highly dissimilar properties. This amino acid position is conserved. In addition, the in silico prediction for this alteration is inconclusive. Based on the available evidence, the clinical significance of this variant remains unclear.

Color Diagnostics, LLC DBA Color Health
Classification: Uncertain significance for Hereditary cancer-predisposing syndrome. Last evaluated: 2023-12-04. Review status: criteria provided, single submitter. Criteria: ACMG Guidelines, 2015. Collection method: clinical testing. Allele origin: germline.
Comment: This missense variant replaces cysteine with phenylalanine at codon 323 of the BMPR1A protein. Computational prediction suggests that this variant may not impact protein structure and function (internally defined REVEL score threshold <= 0.5, PMID: 27666373). To our knowledge, functional studies have not been reported for this variant. This variant has not been reported in individuals affected with BMPR1A-related disorders in the literature. This variant has not been identified in the general population by the Genome Aggregation Database (gnomAD). The available evidence is insufficient to determine the role of this variant in disease conclusively. Therefore, this variant is classified as a Variant of Uncertain Significance.